The following is an entry in ClinVar:

ClinVar aggregate classification (germline): Uncertain significance. Review status: criteria provided, multiple submitters, no conflicts (2 of 4 stars). 2 submissions from 2 submitters: Uncertain significance (2). Last evaluated 2025-08-03.

Conditions:
Hereditary cancer-predisposing syndrome. Also called: Tumor predisposition; Hereditary neoplastic syndrome; Neoplastic Syndromes, Hereditary; Hereditary Cancer Syndrome. Identifiers: Orphanet 140162, MedGen C0027672, MeSH D009386, MONDO:0015356.

Allele frequency attached by ClinVar (database versions not stated): TOPMed below 0.00001; gnomAD 0.00001.

Submissions (2):

Labcorp Genetics (formerly Invitae), Labcorp
Classification: Uncertain significance. Last evaluated: 2025-08-03. Review status: criteria provided, single submitter. Criteria: Invitae Variant Classification Sherloc (09022015). Collection method: clinical testing. Allele origin: germline.
Comment: This sequence change replaces phenylalanine, which is neutral and non-polar, with valine, which is neutral and non-polar, at codon 876 of the POLE protein (p.Phe876Val). This variant is not present in population databases (gnomAD no frequency). This variant has not been reported in the literature in individuals affected with POLE-related conditions. ClinVar contains an entry for this variant (Variation ID: 958639). Invitae Evidence Modeling of protein sequence and biophysical properties (such as structural, functional, and spatial information, amino acid conservation, physicochemical variation, residue mobility, and thermodynamic stability) indicates that this missense variant is not expected to disrupt POLE protein function with a negative predictive value of 80%. In summary, the available evidence is currently insufficient to determine the role of this variant in disease. Therefore, it has been classified as a Variant of Uncertain Significance.

Ambry Genetics
Classification: Uncertain significance for Hereditary cancer-predisposing syndrome. Last evaluated: 2025-06-02. Review status: criteria provided, single submitter. Criteria: Ambry Variant Classification Scheme 2023. Collection method: clinical testing. Allele origin: germline.
Comment: The p.F876V variant (also known as c.2626T>G), located in coding exon 23 of the POLE gene, results from a T to G substitution at nucleotide position 2626. The phenylalanine at codon 876 is replaced by valine, an amino acid with highly similar properties. This amino acid position is conserved. In addition, this alteration is predicted to be tolerated by in silico analysis. Since supporting evidence is limited at this time, the clinical significance of this alteration remains unclear.

NM_006231.4(POLE):c.2626T>G (p.Phe876Val)

Gene: POLE (DNA polymerase epsilon, catalytic subunit; minus strand). Cytogenetic location: 12q24.33.
Variant type: single nucleotide variant.
Coding change: c.2626T>G on transcript NM_006231.4 (MANE Select); coding-DNA position 2626, T replaced by G.
Protein change: p.Phe876Val; replaces phenylalanine 876 with valine.
Molecular consequence: missense variant.
Genome position (GRCh38, 1-based): chr12:132,664,084, A>C on the plus strand (T>G on the coding strand, the complement: POLE is on the minus strand). VCF-style: chr12-132664084-A-C. GRCh37 (hg19) VCF-style: chr12-133240670-A-C.
Other names: short protein forms F876V.
Identifiers: ClinVar variation 958639 (VCV000958639.13), dbSNP rs1208731306, ClinGen allele CA387395554.